The following is an entry in ClinVar:

ClinVar aggregate classification (germline): Conflicting classifications of pathogenicity. Review status: criteria provided, conflicting classifications (1 of 4 stars). 3 submissions from 3 submitters: Uncertain significance (1); Benign (2). Last evaluated 2025-10-29.

Conditions:
Alzheimer disease. Also called: Presenile and senile dementia; Alzheimer's disease. Identifiers: Orphanet 1020, MedGen C0002395, MeSH D000544, MONDO:0004975, HP:0002511.

Allele frequency attached by ClinVar (database versions not stated): 1000 Genomes Project 30x 0.00016; 1000 Genomes Project 0.00020; gnomAD exomes 0.00036 and 0.00075; TOPMed 0.00042; gnomAD 0.00045 and 0.00046; ESP Exome Variant Server 0.00046; ExAC 0.00061.
gnomAD v4.1: 636 of 1,611,684 alleles (0.039%); highest among the groups gnomAD compares: South Asian, 0.093%; 4 homozygotes.

Submissions (3):

Labcorp Genetics (formerly Invitae), Labcorp
Classification: Benign for Alzheimer disease. Last evaluated: 2025-10-29. Review status: criteria provided, single submitter. Criteria: Invitae Variant Classification Sherloc (09022015). Collection method: clinical testing. Allele origin: germline.

Mayo Clinic Laboratories, Mayo Clinic
Classification: Benign. Last evaluated: 2025-02-03. Review status: criteria provided, single submitter. Criteria: ACMG Guidelines, 2015. Collection method: clinical testing. Allele origin: germline. Observed: 1 variant allele.
Comment: BS1, BS2, BP4, BP7

Illumina Laboratory Services, Illumina
Classification: Uncertain significance for Alzheimer disease type 1. Last evaluated: 2018-01-13. Review status: criteria provided, single submitter. Criteria: ICSL Variant Classification Criteria 13 December 2019. Collection method: clinical testing. Allele origin: germline.

NM_000484.4(APP):c.663-9C>A

Gene: APP (amyloid beta precursor protein; minus strand). Cytogenetic location: 21q21.3.
Variant type: single nucleotide variant.
Coding change: c.663-9C>A on transcript NM_000484.4 (MANE Select); 9 bases into the intron before coding-DNA position 663, C replaced by A.
Molecular consequence: intron variant.
Genome position (GRCh38, 1-based): chr21:26,022,051, G>T on the plus strand (C>A on the coding strand, the complement: APP is on the minus strand). VCF-style: chr21-26022051-G-T. GRCh37 (hg19) VCF-style: chr21-27394367-G-T.
Other names: p.?; c.558-9C>A (NM_001136131.3); c.495-9C>A (NM_001136129.3, NM_001136130.3); c.663-9C>A (NM_001204303.2, NM_201414.3, NM_001385253.1 and 3 more transcripts); c.648-9C>A (NM_001136016.3).
Identifiers: ClinVar variation 524209 (VCV000524209.17), dbSNP rs199587668, ClinGen allele CA9987594.
Genomic context (GRCh38, chr21:26,022,051, plus strand): 5'-TTCCACCTCAGCCACTTCTTCCTCCTCTGCTACTTCTACTACTTTGTCTTCACTGTGAAG[G>T]CAAACACAAATAACAGAAAAAGTCAATTAAACACATTTCAGGGAAGGAAAAGAAAAGTCG-3'